The following is an entry in ClinVar:

NM_001127178.3(PIGG):c.1243G>T (p.Ala415Ser)

Gene: PIGG (phosphatidylinositol glycan anchor biosynthesis class G (EMM blood group); plus strand). Cytogenetic location: 4p16.3.
Variant type: single nucleotide variant.
Coding change: c.1243G>T on transcript NM_001127178.3 (MANE Select); coding-DNA position 1243, G replaced by T.
Protein change: p.Ala415Ser; replaces alanine 415 with serine.
Molecular consequence: missense variant. On other transcripts: 5 prime UTR variant (2), non-coding transcript variant (10), intron variant (1).
Genome position (GRCh38, 1-based): chr4:521,184, G>T. VCF-style: chr4-521184-G-T. GRCh37 (hg19) VCF-style: chr4-514973-G-T.
Other names: c.976G>T, p.Ala326Ser (NM_001289051.2, NM_001289053.2, NM_001345986.2 and 1 more transcripts); c.844G>T, p.Ala282Ser (NM_001289052.2); c.877G>T, p.Ala293Ser (NM_001289055.2); c.214G>T, p.Ala72Ser (NM_001345988.2); c.1243G>T, p.Ala415Ser (NM_001345989.2, NM_017733.5); c.-245G>T (NM_001345990.2, NM_001345991.2); c.169G>T, p.Ala57Ser (NM_001345994.2); c.848-476G>T (NM_001289057.2); short protein forms A282S, A72S, A293S, A326S, A415S, A57S.
Identifiers: ClinVar variation 836261 (VCV000836261.10), dbSNP rs1725754692, ClinGen allele CA355903948.

ClinVar aggregate classification (germline): Uncertain significance (1 of 4 stars; one submission).

Conditions:
Intellectual disability, autosomal recessive 53 (NEDHSCA). Also called: NEURODEVELOPMENTAL DISORDER WITH OR WITHOUT HYPOTONIA, SEIZURES, AND CEREBELLAR ATROPHY; GLYCOSYLPHOSPHATIDYLINOSITOL BIOSYNTHESIS DEFECT 13; Mental retardation, autosomal recessive 53. Identifiers: Orphanet 488635, MedGen C4310794, MONDO:0014832, OMIM 616917.

Submission:

Labcorp Genetics (formerly Invitae), Labcorp
Classification: Uncertain significance for Intellectual disability, autosomal recessive 53. Last evaluated: 2019-11-19. Review status: criteria provided, single submitter. Criteria: Invitae Variant Classification Sherloc (09022015). Collection method: clinical testing. Allele origin: germline.
Comment: In summary, the available evidence is currently insufficient to determine the role of this variant in disease. Therefore, it has been classified as a Variant of Uncertain Significance. Algorithms developed to predict the effect of missense changes on protein structure and function are either unavailable or do not agree on the potential impact of this missense change (SIFT: "Tolerated"; PolyPhen-2: "Possibly Damaging"; Align-GVGD: "Class C0"). This variant has not been reported in the literature in individuals with PIGG-related conditions. This variant is not present in population databases (ExAC no frequency). This sequence change replaces alanine with serine at codon 415 of the PIGG protein (p.Ala415Ser). The alanine residue is moderately conserved and there is a moderate physicochemical difference between alanine and serine.